The following is an entry in ClinVar:

ClinVar aggregate classification (germline): Conflicting classifications of pathogenicity. Review status: criteria provided, conflicting classifications (1 of 4 stars). 3 submissions from 3 submitters: Uncertain significance (2); Likely benign (1). Last evaluated 2026-01-28.

Conditions:
KIF5A-related disorder. Also called: KIF5A-related disorders; KIF5A-related condition.
Spastic paraplegia. Identifiers: MedGen C0037772, HP:0001258.
Amyotrophic lateral sclerosis (ALS). Also called: Charcot disease; Lou Gehrig disease. Identifiers: Orphanet 803, MedGen C0002736, MONDO:0004976, HP:0007354.

Allele frequency attached by ClinVar (database versions not stated): gnomAD 0.00003; gnomAD exomes 0.00005; ExAC 0.00006; ESP Exome Variant Server 0.00008; TOPMed 0.00010.
gnomAD v4.1: 55 of 1,613,856 alleles (0.0034%); highest among the groups gnomAD compares: Admixed American, 0.012%; no homozygotes.

Submissions (3):

Labcorp Genetics (formerly Invitae), Labcorp
Classification: Likely benign for Spastic paraplegia. Last evaluated: 2026-01-28. Review status: criteria provided, single submitter. Criteria: Invitae Variant Classification Sherloc (09022015). Collection method: clinical testing. Allele origin: germline.

PreventionGenetics, part of Exact Sciences
Classification: Uncertain significance for KIF5A-related condition. Last evaluated: 2025-01-21. Review status: criteria provided, single submitter. Criteria: ACMG Guidelines, 2015. Collection method: clinical testing. Allele origin: germline.
Comment: The KIF5A c.2146C>T variant is predicted to result in the amino acid substitution p.Arg716Trp. This variant was reported in an individual with spastic paraplegia and was interpreted as uncertain (Table 3, Iqbal et al. 2017. PubMed ID: 28362824). This variant is reported in 0.011% of alleles in individuals of Latino descent in gnomAD. A different missense change impacting the same amino acid (p.Arg716Gln) has been reported in two individuals with amyotrophic lateral sclerosis (Nakamura et al. 2021. PubMed ID: 32888732). At this time, the clinical significance of the c.2146C>T (p.Arg716Trp) variant is uncertain due to the absence of conclusive functional and genetic evidence.

Dept. of Medical Genetics, Telemark Hospital Trust, Telemark Hospital Trust
Classification: Uncertain significance for Amyotrophic Lateral Sclerosis. Last evaluated: 2022-01-01. Review status: criteria provided, single submitter. Criteria: ACMG Guidelines, 2015. Collection method: research. Allele origin: germline. Affected: yes.

NM_004984.4(KIF5A):c.2146C>T (p.Arg716Trp)

Gene: KIF5A (kinesin family member 5A; plus strand). Cytogenetic location: 12q13.3.
Variant type: single nucleotide variant.
Coding change: c.2146C>T on transcript NM_004984.4 (MANE Select); coding-DNA position 2146, C replaced by T.
Protein change: p.Arg716Trp; replaces arginine 716 with tryptophan.
Molecular consequence: missense variant.
Genome position (GRCh38, 1-based): chr12:57,576,326, C>T. VCF-style: chr12-57576326-C-T. GRCh37 (hg19) VCF-style: chr12-57970109-C-T.
Other names: c.1879C>T, p.Arg627Trp (NM_001354705.2); short protein forms R716W, R627W.
Identifiers: ClinVar variation 409667 (VCV000409667.11), dbSNP rs377539747, ClinGen allele CA6653017.